The following is an entry in ClinVar:

NM_001127222.2(CACNA1A):c.7376G>T (p.Gly2459Val)

Gene: CACNA1A (calcium voltage-gated channel subunit alpha1 A; minus strand). Cytogenetic location: 19p13.13.
Variant type: single nucleotide variant.
Coding change: c.7376G>T on transcript NM_001127222.2 (MANE Select); coding-DNA position 7376, G replaced by T.
Protein change: p.Gly2459Val; replaces glycine 2459 with valine.
Molecular consequence: missense variant. On other transcripts: 3 prime UTR variant (3).
Genome position (GRCh38, 1-based): chr19:13,207,458, C>A on the plus strand (G>T on the coding strand, the complement: CACNA1A is on the minus strand). VCF-style: chr19-13207458-C-A. GRCh37 (hg19) VCF-style: chr19-13318272-C-A.
Other names: c.*588G>T (NM_000068.4, NM_001127221.2, NM_001174080.2); c.7394G>T, p.Gly2465Val (NM_023035.3); short protein forms G2459V, G2465V.
Identifiers: ClinVar variation 3347680 (VCV003347680.1).
Genomic context (GRCh38, chr19:13,207,458, plus strand): 5'-GCCGGGTAGTAGCCGTTGGGGAGTCGCCGGCCGTGCCGAGAAGGCGAGGCGCAGGCCGGG[C>A]CCGAGGCCCGGGGAGTCCTGGGCGAGCGCCCGGTGGCGCCCGAGGACGCGTGTCGTACGG-3'
Protein context (NP_001120694.1, residues 2449-2469): GRSPRTPRAS[Gly2459Val]PACASPSRHG

ClinVar aggregate classification (germline): Uncertain significance (0 of 4 stars; one submission).

Conditions:
CACNA1A-related disorder. Also called: CACNA1A-related condition.

Submission:

PreventionGenetics, part of Exact Sciences
Classification: Uncertain significance for CACNA1A-related condition. Last evaluated: 2024-08-21. Review status: no assertion criteria provided. Collection method: clinical testing. Allele origin: germline.
Comment: The CACNA1A c.7376G>T variant is predicted to result in the amino acid substitution p.Gly2459Val. To our knowledge, this variant has not been reported in the literature or in a large population database, indicating this variant is rare. At this time, the clinical significance of this variant is uncertain due to the absence of conclusive functional and genetic evidence.